The following is an entry in ClinVar:

ClinVar aggregate classification (germline): Pathogenic (1 of 4 stars; one submission).

Conditions:
Fanconi anemia (FA). Also called: Fanconi's anemia. Identifiers: Orphanet 84, MedGen C0015625, MeSH D005199, MONDO:0019391.

Submission:

Labcorp Genetics (formerly Invitae), Labcorp
Classification: Pathogenic for Fanconi anemia. Last evaluated: 2020-05-26. Review status: criteria provided, single submitter. Criteria: Invitae Variant Classification Sherloc (09022015). Collection method: clinical testing. Allele origin: germline.
Comment: This variant is a gross deletion of the genomic region encompassing exon(s) 30-43 of the FANCA gene. The 5' boundary is likely confined to intron 29. The 3' end of this event is unknown as it extends through the termination codon beyond the assayed region for this gene and may encompass additional genes. While this deletion is not anticipated to result in nonsense mediated decay, it is expected to create a truncated protein product or disrupt mRNA translation. Similar deletions of exons 30-43 have been observed in individual(s) with Fanconi anemia (PMID: 29098742). The region of the FANCA gene that includes exon(s) 37-43 has been determined to be clinically significant (PMID: 23613520, Invitae). Therefore, deletions that encompass that region are likely to disrupt protein function and cause disease. For these reasons, this variant has been classified as Pathogenic.

Literature cited by the submitters: PubMed 29098742; PubMed 23613520.

NC_000016.9:g.(?_89804999)_(89825128_?)del

Genes: FANCA (FA complementation group A; minus strand), ZNF276 (zinc finger protein 276; plus strand). Cytogenetic location: 16q24.3.
Variant type: Deletion.
Identifiers: ClinVar variation 1075371 (VCV001075371.1).